The following is an entry in ClinVar:

ClinVar aggregate classification (germline): Pathogenic (1 of 4 stars; one submission).

Conditions:
Developmental and epileptic encephalopathy, 9 (DEE9). Also called: Early infantile epileptic encephalopathy 9; JUBERG-HELLMAN SYNDROME; PCDH19-Related X-Linked Female-Limited Epilepsy with Mental Retardation; EPILEPSY, FEMALE-RESTRICTED, WITH MENTAL RETARDATION. Identifiers: Orphanet 101039, Orphanet 2076, MedGen C1848137, MONDO:0010246, OMIM 300088. Disease mechanism: loss of function.

Submission:

Labcorp Genetics (formerly Invitae), Labcorp
Classification: Pathogenic for Developmental and epileptic encephalopathy, 9. Last evaluated: 2022-07-26. Review status: criteria provided, single submitter. Criteria: Invitae Variant Classification Sherloc (09022015). Collection method: clinical testing. Allele origin: germline.
Comment: This sequence change replaces asparagine, which is neutral and polar, with lysine, which is basic and polar, at codon 232 of the PCDH19 protein (p.Asn232Lys). This variant is not present in population databases (gnomAD no frequency). This missense change has been observed in individual(s) with PCDH19-related conditions (PMID: 29064093; Invitae). In at least one individual the variant was observed to be de novo. ClinVar contains an entry for this variant (Variation ID: 1068161). Advanced modeling of protein sequence and biophysical properties (such as structural, functional, and spatial information, amino acid conservation, physicochemical variation, residue mobility, and thermodynamic stability) performed at Invitae indicates that this missense variant is expected to disrupt PCDH19 protein function. This variant disrupts the p.Asn232 amino acid residue in PCDH19. Other variant(s) that disrupt this residue have been determined to be pathogenic (PMID: 22946748, 23808377, 27527380). This suggests that this residue is clinically significant, and that variants that disrupt this residue are likely to be disease-causing. For these reasons, this variant has been classified as Pathogenic.

Literature cited by the submitters: PubMed 29064093; PubMed 22946748; PubMed 23808377; PubMed 27527380.

NM_001184880.2(PCDH19):c.696T>G (p.Asn232Lys)

Gene: PCDH19 (protocadherin 19; minus strand). Cytogenetic location: Xq22.1.
Variant type: single nucleotide variant.
Coding change: c.696T>G on transcript NM_001184880.2 (MANE Select); coding-DNA position 696, T replaced by G.
Protein change: p.Asn232Lys; replaces asparagine 232 with lysine.
Molecular consequence: missense variant.
Genome position (GRCh38, 1-based): chrX:100,407,902, A>C on the plus strand (T>G on the coding strand, the complement: PCDH19 is on the minus strand). VCF-style: chrX-100407902-A-C. GRCh37 (hg19) VCF-style: chrX-99662900-A-C.
Other names: c.696T>G, p.Asn232Lys (NM_001105243.2, NM_020766.3); short protein forms N232K.
Identifiers: ClinVar variation 1068161 (VCV001068161.7), dbSNP rs796052807, ClinGen allele CA414008610.
Genomic context (GRCh38, chrX:100,407,902, plus strand): 5'-AGGCGAGTTTTCTGGCACGCTCACCGCGTAGGTGGACTCGCTAAACACCGGGTTGTTGTC[A>C]TTGGAGTCGGTCACCTTGATACTAAGGCCAACGGTGCCCAGGCGCGGCGGGTCGCCACCG-3'
Protein context (NP_001171809.1, residues 222-242): VGLSIKVTDS[Asn232Lys]DNNPVFSEST